The following is an entry in ClinVar:

NM_174936.4(PCSK9):c.70G>A (p.Gly24Ser)

Gene: PCSK9 (proprotein convertase subtilisin/kexin type 9; plus strand). Cytogenetic location: 1p32.3.
Variant type: single nucleotide variant.
Coding change: c.70G>A on transcript NM_174936.4 (MANE Select); coding-DNA position 70, G replaced by A.
Protein change: p.Gly24Ser; replaces glycine 24 with serine.
Molecular consequence: missense variant.
Genome position (GRCh38, 1-based): chr1:55,039,907, G>A. VCF-style: chr1-55039907-G-A. GRCh37 (hg19) VCF-style: chr1-55505580-G-A.
Other names: short protein forms G24S.
Identifiers: ClinVar variation 927151 (VCV000927151.12), dbSNP rs1479030404, ClinGen allele CA340482711.

ClinVar aggregate classification (germline): Uncertain significance. Review status: criteria provided, multiple submitters, no conflicts (2 of 4 stars). 5 submissions from 5 submitters: Uncertain significance (5). Last evaluated 2025-12-24.

Conditions:
Cardiovascular phenotype. Identifiers: MedGen CN230736.
Familial hypercholesterolemia. Also called: Familial hypercholesterolemias; Familial hypercholesterolaemia. Identifiers: MedGen C0020445, MONDO:0005439.
Hypercholesterolemia, autosomal dominant, 3 (FHCL3). Also called: Familial Hypercholesterolemia, Autosomal Dominant, 3; PCSK9-Related Familial Hypercholesterolemia, Autosomal Dominant; Familial hypercholesterolemia 3. Identifiers: MedGen C1863551, MONDO:0011369, OMIM 603776.

Allele frequency attached by ClinVar (database versions not stated): gnomAD 0.00001; gnomAD exomes 0.00002; TOPMed 0.00002.

Submissions (5):

Ambry Genetics
Classification: Uncertain significance for Cardiovascular phenotype. Last evaluated: 2025-12-24. Review status: criteria provided, single submitter. Criteria: Ambry Variant Classification Scheme 2023. Collection method: clinical testing. Allele origin: germline.

Labcorp Genetics (formerly Invitae), Labcorp
Classification: Uncertain significance for Hypercholesterolemia, autosomal dominant, 3. Last evaluated: 2025-08-06. Review status: criteria provided, single submitter. Criteria: Invitae Variant Classification Sherloc (09022015). Collection method: clinical testing. Allele origin: germline.
Comment: This sequence change replaces glycine, which is neutral and non-polar, with serine, which is neutral and polar, at codon 24 of the PCSK9 protein (p.Gly24Ser). This variant is not present in population databases (gnomAD no frequency). This variant has not been reported in the literature in individuals affected with PCSK9-related conditions. ClinVar contains an entry for this variant (Variation ID: 927151). Invitae Evidence Modeling of protein sequence and biophysical properties (such as structural, functional, and spatial information, amino acid conservation, physicochemical variation, residue mobility, and thermodynamic stability) indicates that this missense variant is not expected to disrupt PCSK9 protein function with a negative predictive value of 95%. In summary, the available evidence is currently insufficient to determine the role of this variant in disease. Therefore, it has been classified as a Variant of Uncertain Significance.

Women's Health and Genetics/Laboratory Corporation of America, LabCorp
Classification: Uncertain significance. Last evaluated: 2025-02-10. Review status: criteria provided, single submitter. Criteria: LabCorp Variant Classification Summary - May 2015. Collection method: clinical testing. Allele origin: germline.

Color Diagnostics, LLC DBA Color Health
Classification: Uncertain significance for Familial hypercholesterolemia. Last evaluated: 2024-03-06. Review status: criteria provided, single submitter. Criteria: ACMG Guidelines, 2015. Collection method: clinical testing. Allele origin: germline.
Comment: This missense variant replaces glycine with serine at codon 24 of the PCSK9 protein. Computational prediction suggests that this variant may not impact protein structure and function (internally defined REVEL score threshold <= 0.5, PMID: 27666373). To our knowledge, functional studies have not been reported for this variant. This variant has not been reported in individuals affected with familial hypercholesterolemia in the literature. This variant has not been identified in the general population by the Genome Aggregation Database (gnomAD). The available evidence is insufficient to determine the role of this variant in disease conclusively. Therefore, this variant is classified as a Variant of Uncertain Significance.

All of Us Research Program, National Institutes of Health
Classification: Uncertain significance for Hypercholesterolemia, autosomal dominant, 3. Last evaluated: 2023-11-02. Review status: criteria provided, single submitter. Criteria: ACMG Guidelines, 2015. Collection method: clinical testing. Allele origin: germline. Inheritance: Autosomal dominant inheritance. Observed: 3 variant alleles, 3 heterozygotes.
Comment: This missense variant replaces glycine with serine at codon 24 of the PCSK9 protein. Computational prediction tools and conservation analyses suggest that this variant may not impact the protein function. Computational splicing tools suggest that this variant may not impact RNA splicing. To our knowledge, functional assays have not been performed for this variant nor has this variant been reported in individuals affected with familial hypercholesterolemia in the literature. This variant has not been identified in the general population by the Genome Aggregation Database (gnomAD). Available evidence is insufficient to determine the role of this variant in disease conclusively. Therefore, this variant is classified as a Variant of Uncertain Significance.

This study involves interpretation of variants in research participants for the purpose of population health screening. Participant phenotype was not available at the time of variant classification. Additional details can be found in publication PMID: 35346344, PMCID: PMC8962531